The following is an entry in ClinVar:

NM_017802.4(DNAAF5):c.382C>T (p.Pro128Ser)

Genes: DNAAF5 (dynein axonemal assembly factor 5; plus strand), PRKAR1B (protein kinase cAMP-dependent type I regulatory subunit beta; minus strand). Cytogenetic location: 7p22.3.
Variant type: single nucleotide variant.
Coding change: c.382C>T on transcript NM_017802.4 (MANE Select); coding-DNA position 382, C replaced by T.
Protein change: p.Pro128Ser; replaces proline 128 with serine.
Molecular consequence: missense variant. On other transcripts: non-coding transcript variant (1), intron variant (3).
Genome position (GRCh38, 1-based): chr7:727,102, C>T. VCF-style: chr7-727102-C-T. GRCh37 (hg19) VCF-style: chr7-766739-C-T.
Other names: c.-23+553G>A (NM_001164759.1); c.-23+488G>A (NM_001164758.2); c.-23+108G>A (NM_001164760.2); short protein forms P128S.
Identifiers: ClinVar variation 410303 (VCV000410303.7), dbSNP rs998645747, ClinGen allele CA16612242.

ClinVar aggregate classification (germline): Uncertain significance. Review status: criteria provided, multiple submitters, no conflicts (2 of 4 stars). 2 submissions from 2 submitters: Uncertain significance (2). Last evaluated 2024-08-23.

Conditions:
Primary ciliary dyskinesia. Also called: Ciliary dyskinesia. Identifiers: Orphanet 244, MedGen C0008780, MONDO:0016575, HP:0012265.

Allele frequency attached by ClinVar (database versions not stated): TOPMed 0.00006; gnomAD 0.00008; gnomAD exomes 0.00020.
gnomAD v4.1: 196 of 1,084,758 alleles (0.018%); highest among the groups gnomAD compares: Non-Finnish European, 0.021%; no homozygotes.

Submissions (2):

Ambry Genetics
Classification: Uncertain significance for Primary ciliary dyskinesia. Last evaluated: 2024-08-23. Review status: criteria provided, single submitter. Criteria: Ambry Variant Classification Scheme 2023. Collection method: clinical testing. Allele origin: germline.
Comment: The p.P128S variant (also known as c.382C>T), located in coding exon 1 of the DNAAF5 gene, results from a C to T substitution at nucleotide position 382. The proline at codon 128 is replaced by serine, an amino acid with similar properties. This amino acid position is conserved. In addition, this alteration is predicted to be tolerated by in silico analysis. Based on the available evidence, the clinical significance of this variant remains unclear.

Labcorp Genetics (formerly Invitae), Labcorp
Classification: Uncertain significance for Primary ciliary dyskinesia. Last evaluated: 2021-09-01. Review status: criteria provided, single submitter. Criteria: Invitae Variant Classification Sherloc (09022015). Collection method: clinical testing. Allele origin: germline.
Comment: This sequence change replaces proline with serine at codon 128 of the DNAAF5 protein (p.Pro128Ser). The proline residue is weakly conserved and there is a moderate physicochemical difference between proline and serine. This variant has not been reported in the literature in individuals affected with DNAAF5-related conditions. Algorithms developed to predict the effect of missense changes on protein structure and function (SIFT, PolyPhen-2, Align-GVGD) all suggest that this variant is likely to be tolerated. In summary, the available evidence is currently insufficient to determine the role of this variant in disease. Therefore, it has been classified as a Variant of Uncertain Significance.